The following is an entry in ClinVar:

NM_001134363.3(RBM20):c.3494T>C (p.Leu1165Pro)

Gene: RBM20 (RNA binding motif protein 20; plus strand). Cytogenetic location: 10q25.2.
Variant type: single nucleotide variant.
Coding change: c.3494T>C on transcript NM_001134363.3 (MANE Select); coding-DNA position 3494, T replaced by C.
Protein change: p.Leu1165Pro; replaces leucine 1165 with proline.
Molecular consequence: missense variant.
Genome position (GRCh38, 1-based): chr10:110,831,103, T>C. VCF-style: chr10-110831103-T-C. GRCh37 (hg19) VCF-style: chr10-112590861-T-C.
Other names: short protein forms L1165P.
Identifiers: ClinVar variation 1450064 (VCV001450064.8), dbSNP rs1341670588, ClinGen allele CA378386521.

ClinVar aggregate classification (germline): Uncertain significance (1 of 4 stars; one submission).

Conditions:
Dilated cardiomyopathy 1DD (CMD1DD). Identifiers: Orphanet 154, MedGen C2750995, MONDO:0013168, OMIM 613172.

Allele frequency attached by ClinVar (database versions not stated): gnomAD exomes below 0.00001 and 0.00001; gnomAD 0.00001.
gnomAD v4.1: 2 of 1,551,442 alleles (0.00013%); highest among the groups gnomAD compares: Non-Finnish European, 0.00017%; no homozygotes.

Submission:

Labcorp Genetics (formerly Invitae), Labcorp
Classification: Uncertain significance for Dilated cardiomyopathy 1DD. Last evaluated: 2021-03-17. Review status: criteria provided, single submitter. Criteria: Invitae Variant Classification Sherloc (09022015). Collection method: clinical testing. Allele origin: germline.
Comment: This variant is not present in population databases (ExAC no frequency). This sequence change replaces leucine with proline at codon 1165 of the RBM20 protein (p.Leu1165Pro). The leucine residue is weakly conserved and there is a moderate physicochemical difference between leucine and proline. This variant has not been reported in the literature in individuals with RBM20-related conditions. In summary, the available evidence is currently insufficient to determine the role of this variant in disease. Therefore, it has been classified as a Variant of Uncertain Significance. Advanced modeling of protein sequence and biophysical properties (such as structural, functional, and spatial information, amino acid conservation, physicochemical variation, residue mobility, and thermodynamic stability) performed at Invitae indicates that this missense variant is expected to disrupt RBM20 protein function.